The following is an entry in ClinVar:

ClinVar aggregate classification (germline): Pathogenic/Likely pathogenic. Review status: criteria provided, multiple submitters, no conflicts (2 of 4 stars). 2 submissions from 2 submitters: Pathogenic (1); Likely pathogenic (1). Last evaluated 2024-11-12.

gnomAD v4.1: 6 of 1,614,002 alleles (0.00037%); highest among the groups gnomAD compares: Admixed American, 0.0033%; no homozygotes.

Submissions (2):

GeneDx
Classification: Likely pathogenic. Last evaluated: 2024-11-12. Review status: criteria provided, single submitter. Criteria: GeneDx Variant Classification Process June 2021. Collection method: clinical testing. Allele origin: germline. Affected: yes.
Comment: Nonsense variant predicted to result in protein truncation or nonsense mediated decay in a gene for which loss of function is a known mechanism of disease; Not observed at significant frequency in large population cohorts (gnomAD); Has not been previously published as pathogenic or benign to our knowledge

Labcorp Genetics (formerly Invitae), Labcorp
Classification: Pathogenic. Last evaluated: 2024-05-14. Review status: criteria provided, single submitter. Criteria: Invitae Variant Classification Sherloc (09022015). Collection method: clinical testing. Allele origin: germline.
Comment: This sequence change creates a premature translational stop signal (p.Arg768*) in the C2CD3 gene. It is expected to result in an absent or disrupted protein product. Loss-of-function variants in C2CD3 are known to be pathogenic (PMID: 24997988, 26477546). This variant is present in population databases (rs758969612, gnomAD 0.002%). This variant has not been reported in the literature in individuals affected with C2CD3-related conditions. For these reasons, this variant has been classified as Pathogenic.

Literature cited by the submitters: PubMed 24997988 (cited by Labcorp Genetics (formerly Invitae), Labcorp); PubMed 26477546 (cited by Labcorp Genetics (formerly Invitae), Labcorp).

NM_001286577.2(C2CD3):c.2302C>T (p.Arg768Ter)

Gene: C2CD3 (C2 domain containing 3 centriole elongation regulator; minus strand). Cytogenetic location: 11q13.4.
Variant type: single nucleotide variant.
Coding change: c.2302C>T on transcript NM_001286577.2 (MANE Select); coding-DNA position 2302, C replaced by T.
Protein change: p.Arg768Ter; replaces arginine 768 with a stop codon.
Molecular consequence: nonsense.
Genome position (GRCh38, 1-based): chr11:74,103,409, G>A on the plus strand (C>T on the coding strand, the complement: C2CD3 is on the minus strand). VCF-style: chr11-74103409-G-A. GRCh37 (hg19) VCF-style: chr11-73814454-G-A.
Other names: c.2302C>T, p.Arg768Ter (NM_015531.6); c.2302C>T (NM_015531.5); short protein forms R768*.
Identifiers: ClinVar variation 3620040 (VCV003620040.3).